The following is an entry in ClinVar:

NC_000014.8:g.(?_23898144)_(23899892_?)del

Gene: MYH7 (myosin heavy chain 7; minus strand). Cytogenetic location: 14q11.2.
Variant type: Deletion.
Identifiers: ClinVar variation 1027144 (VCV001027144.8).

ClinVar aggregate classification (germline): Uncertain significance (1 of 4 stars; one submission).

Conditions:
Hypertrophic cardiomyopathy. Also called: HYPERTROPHIC MYOCARDIOPATHY. Identifiers: Orphanet 217569, MedGen C0007194, MeSH D002312, MONDO:0005045, HP:0001639.

Submission:

Labcorp Genetics (formerly Invitae), Labcorp
Classification: Uncertain significance for Hypertrophic cardiomyopathy. Last evaluated: 2016-09-04. Review status: criteria provided, single submitter. Criteria: Invitae Variant Classification Sherloc (09022015). Collection method: clinical testing. Allele origin: germline.
Comment: For these reasons, it has been classified as a Variant of Uncertain Significance. While this particular variant has not been reported in the literature, truncating variants in MYH7 are not necessarily pathogenic because disease causing variants are thought to act in a dominant-negative manner (PMID: 23274168) and all the demonstratively causative variants are missense (PMID: 20530761, 20624503). As a result, the clinical significance of this variant is uncertain at this time. This variant is a gross deletion of the genomic region encompassing exons 10-13 and the first 111 nucleotides of exon 14 of the MYH7 gene (c.895+43_1518del). The 5' breakpoint of this deletion is within intron 9 at c.895+43; the 3' breakpoint is within exon 14 at c.1518. This deletion is expected to result in an absent or disrupted protein product.

Literature cited by the submitters: PubMed 23274168; PubMed 20530761; PubMed 20624503.